The following is an entry in ClinVar:

NM_152383.5(DIS3L2):c.2630G>T (p.Gly877Val)

Gene: DIS3L2 (DIS3 like 3'-5' exoribonuclease 2; plus strand). Cytogenetic location: 2q37.1.
Variant type: single nucleotide variant.
Coding change: c.2630G>T on transcript NM_152383.5 (MANE Select); coding-DNA position 2630, G replaced by T.
Protein change: p.Gly877Val; replaces glycine 877 with valine.
Molecular consequence: missense variant. On other transcripts: non-coding transcript variant (2), intron variant (1).
Genome position (GRCh38, 1-based): chr2:232,336,602, G>T. VCF-style: chr2-232336602-G-T. GRCh37 (hg19) VCF-style: chr2-233201312-G-T.
Other names: c.1582-6743G>T (NM_001257281.2); short protein forms G877V.
Identifiers: ClinVar variation 1476601 (VCV001476601.8), dbSNP rs753076827, ClinGen allele CA2164643.
Genomic context (GRCh38, chr2:232,336,602, plus strand): 5'-TGAAGCGGCCAGGCACCCAGGGCCACCTGGGCCCTGAGAAGGAGGAGGAGGAGTCTGACG[G>T]TGAGCCCGAGGACTCAAGCACCAGCTGAGCTCCACCAGCCGCCTGCCCCGCCTGCCCCGC-3'
Protein context (NP_689596.4, residues 867-885): GPEKEEEESD[Gly877Val]EPEDSSTS

ClinVar aggregate classification (germline): Uncertain significance (1 of 4 stars; one submission).

Conditions:
Perlman syndrome (PRLMNS). Identifiers: Orphanet 2849, MedGen C0796113, MONDO:0009965, OMIM 267000.

gnomAD v4.1: 1 of 1,607,386 alleles (0.000062%); highest among the groups gnomAD compares: East Asian, 0.0022%; no homozygotes.

Submission:

Labcorp Genetics (formerly Invitae), Labcorp
Classification: Uncertain significance for Perlman syndrome. Last evaluated: 2021-03-27. Review status: criteria provided, single submitter. Criteria: Invitae Variant Classification Sherloc (09022015). Collection method: clinical testing. Allele origin: germline.
Comment: In summary, the available evidence is currently insufficient to determine the role of this variant in disease. Therefore, it has been classified as a Variant of Uncertain Significance. Algorithms developed to predict the effect of missense changes on protein structure and function are either unavailable or do not agree on the potential impact of this missense change (SIFT: "Deleterious"; PolyPhen-2: "Not Available"; Align-GVGD: "Class C0"). This variant has not been reported in the literature in individuals with DIS3L2-related conditions. This variant is present in population databases (rs753076827, ExAC 0.01%). This sequence change replaces glycine with valine at codon 877 of the DIS3L2 protein (p.Gly877Val). The glycine residue is weakly conserved and there is a moderate physicochemical difference between glycine and valine.